The following is an entry in ClinVar:

NM_000051.4(ATM):c.7277del (p.Leu2426fs)

Genes: ATM (ATM serine/threonine kinase; plus strand), C11orf65 (chromosome 11 open reading frame 65; minus strand). Cytogenetic location: 11q22.3.
Variant type: Deletion.
Coding change: c.7277del on transcript NM_000051.4 (MANE Select); coding-DNA position 7277, one base deleted (T; older notation c.7277delT).
Protein change: p.Leu2426fs; shifts the reading frame from leucine 2426.
Molecular consequence: frameshift variant. On other transcripts: intron variant (2).
Genome position (GRCh38, 1-based): chr11:108,329,208, T deleted. VCF-style (leftmost placement, unchanged base first): chr11-108329207-CT-C. GRCh37 (hg19) VCF-style: chr11-108199934-CT-C.
Other names: c.7277del, p.Leu2426fs (NM_001351834.2); c.641-20137del (NM_001330368.2); c.*38+6012del (NM_001351110.2); short protein forms L2426fs.
Identifiers: ClinVar variation 2587805 (VCV002587805.2), dbSNP rs2547250601, ClinGen allele CA2582342464.

ClinVar aggregate classification (germline): Pathogenic (1 of 4 stars; one submission).

Conditions:
Hereditary cancer-predisposing syndrome. Also called: Hereditary Cancer Syndrome; Hereditary neoplastic syndrome; Neoplastic Syndromes, Hereditary; Tumor predisposition. Identifiers: Orphanet 140162, MedGen C0027672, MeSH D009386, MONDO:0015356.

Submission:

Ambry Genetics
Classification: Pathogenic for Hereditary cancer-predisposing syndrome. Last evaluated: 2023-08-30. Review status: criteria provided, single submitter. Criteria: Ambry Variant Classification Scheme 2023. Collection method: clinical testing. Allele origin: germline.
Comment: The c.7277delT pathogenic mutation, located in coding exon 48 of the ATM gene, results from a deletion of one nucleotide at nucleotide position 7277, causing a translational frameshift with a predicted alternate stop codon (p.L2426Pfs*14). This variant is considered to be rare based on population cohorts in the Genome Aggregation Database (gnomAD). This alteration is expected to result in loss of function by premature protein truncation or nonsense-mediated mRNA decay. As such, this alteration is interpreted as a disease-causing mutation.